The following is an entry in ClinVar:

ClinVar aggregate classification (germline): Conflicting classifications of pathogenicity. Review status: criteria provided, conflicting classifications (1 of 4 stars). 2 submissions from 2 submitters: Uncertain significance (1); Likely benign (1). Last evaluated 2022-07-11.

Allele frequency attached by ClinVar (database versions not stated): gnomAD 0.00001; TOPMed 0.00001.
gnomAD v4.1: 1 of 1,614,098 alleles (0.000062%); highest among the groups gnomAD compares: African/African-American, 0.0013%; no homozygotes.

Submissions (2):

Blueprint Genetics
Classification: Likely benign. Last evaluated: 2022-07-11. Review status: criteria provided, single submitter. Criteria: ACMG Guidelines, 2015. Collection method: clinical testing. Allele origin: germline.

GeneDx
Classification: Uncertain significance. Last evaluated: 2022-05-25. Review status: criteria provided, single submitter. Criteria: GeneDx Variant Classification Process June 2021. Collection method: clinical testing. Allele origin: germline. Affected: yes.
Comment: Not observed at significant frequency in large population cohorts (gnomAD); In silico analysis supports that this missense variant does not alter protein structure/function; Has not been previously published as pathogenic or benign to our knowledge

NM_001197104.2(KMT2A):c.9976A>G (p.Thr3326Ala)

Gene: KMT2A (lysine methyltransferase 2A; plus strand). Cytogenetic location: 11q23.3.
Variant type: single nucleotide variant.
Coding change: c.9976A>G on transcript NM_001197104.2 (MANE Select); coding-DNA position 9976, A replaced by G.
Protein change: p.Thr3326Ala; replaces threonine 3326 with alanine.
Molecular consequence: missense variant.
Genome position (GRCh38, 1-based): chr11:118,505,868, A>G. VCF-style: chr11-118505868-A-G. GRCh37 (hg19) VCF-style: chr11-118376583-A-G.
Other names: c.10066A>G, p.Thr3356Ala (NM_001412597.1); c.9967A>G, p.Thr3323Ala (NM_005933.4); short protein forms T3323A, T3326A, T3356A.
Identifiers: ClinVar variation 1801038 (VCV001801038.2), dbSNP rs1434350804, ClinGen allele CA382822388.